The following is an entry in ClinVar:

ClinVar aggregate classification (germline): Uncertain significance. Review status: criteria provided, multiple submitters, no conflicts (2 of 4 stars). 2 submissions from 2 submitters: Uncertain significance (2). Last evaluated 2025-08-29.

Conditions:
Inborn genetic diseases. Identifiers: MedGen C0950123, MeSH D030342.

Allele frequency attached by ClinVar (database versions not stated): gnomAD exomes below 0.00001; TOPMed below 0.00001.
gnomAD v4.1: 1 of 1,613,516 alleles (0.000062%); highest among the groups gnomAD compares: Admixed American, 0.0017%; no homozygotes.

Submissions (2):

Ambry Genetics
Classification: Uncertain significance for Inborn genetic diseases. Last evaluated: 2025-08-29. Review status: criteria provided, single submitter. Criteria: Ambry Variant Classification Scheme 2023. Collection method: clinical testing. Allele origin: germline.

Labcorp Genetics (formerly Invitae), Labcorp
Classification: Uncertain significance. Last evaluated: 2024-07-19. Review status: criteria provided, single submitter. Criteria: Invitae Variant Classification Sherloc (09022015). Collection method: clinical testing. Allele origin: germline.
Comment: This sequence change replaces alanine, which is neutral and non-polar, with valine, which is neutral and non-polar, at codon 657 of the FN1 protein (p.Ala657Val). This variant is not present in population databases (gnomAD no frequency). This variant has not been reported in the literature in individuals affected with FN1-related conditions. ClinVar contains an entry for this variant (Variation ID: 1465116). Advanced modeling of protein sequence and biophysical properties (such as structural, functional, and spatial information, amino acid conservation, physicochemical variation, residue mobility, and thermodynamic stability) performed at Invitae indicates that this missense variant is not expected to disrupt FN1 protein function with a negative predictive value of 80%. In summary, the available evidence is currently insufficient to determine the role of this variant in disease. Therefore, it has been classified as a Variant of Uncertain Significance.

NM_212482.4(FN1):c.1970C>T (p.Ala657Val)

Gene: FN1 (fibronectin 1; minus strand). Cytogenetic location: 2q35.
Variant type: single nucleotide variant.
Coding change: c.1970C>T on transcript NM_212482.4 (MANE Select); coding-DNA position 1970, C replaced by T.
Protein change: p.Ala657Val; replaces alanine 657 with valine.
Molecular consequence: missense variant.
Genome position (GRCh38, 1-based): chr2:215,410,086, G>A on the plus strand (C>T on the coding strand, the complement: FN1 is on the minus strand). VCF-style: chr2-215410086-G-A. GRCh37 (hg19) VCF-style: chr2-216274809-G-A.
Other names: c.1970C>T, p.Ala657Val (NM_001306129.2, NM_001306130.2, NM_001306131.2 and 13 more transcripts); c.1970C>T (NM_212482.1); short protein forms A657V.
Identifiers: ClinVar variation 1465116 (VCV001465116.7), dbSNP rs1249819296, ClinGen allele CA350464228.
Genomic context (GRCh38, chr2:215,410,086, plus strand): 5'-TATACCACACCAGGCTTCAGGCCTTTGATGGTGTAGGAGTTTAAGTGGCCTGGTATGGTA[G>A]CTTCCTTCCAACGGCCTACAGAATTTTTCTGAAAATTTAAATTAACACACACACACACAC-3'
Protein context (NP_997647.2, residues 647-667): PKNSVGRWKE[Ala657Val]TIPGHLNSYT